The following is an entry in ClinVar:

ClinVar aggregate classification (germline): Uncertain significance (1 of 4 stars; one submission).

Conditions:
Arthrogryposis, distal, type 1A. Also called: ARTHROGRYPOSIS MULTIPLEX CONGENITA, DISTAL, TYPE I. Identifiers: Orphanet 1146, MedGen C6022280, MONDO:0007157, OMIM 108120.

Submission:

Labcorp Genetics (formerly Invitae), Labcorp
Classification: Uncertain significance for Arthrogryposis, distal, type 1A. Last evaluated: 2022-11-22. Review status: criteria provided, single submitter. Criteria: Invitae Variant Classification Sherloc (09022015). Collection method: clinical testing. Allele origin: germline.
Comment: In summary, the available evidence is currently insufficient to determine the role of this variant in disease. Therefore, it has been classified as a Variant of Uncertain Significance. Algorithms developed to predict the effect of missense changes on protein structure and function are either unavailable or do not agree on the potential impact of this missense change (SIFT: "Deleterious"; PolyPhen-2: "Probably Damaging"; Align-GVGD: "Class C0"). This missense change has been observed in individual(s) with clinical features of autosomal dominant TPM2-related conditions (PMID: 23401156). This variant is not present in population databases (gnomAD no frequency). This sequence change replaces aspartic acid, which is acidic and polar, with histidine, which is basic and polar, at codon 20 of the TPM2 protein (p.Asp20His).

Literature cited by the submitters: PubMed 23401156.

NM_003289.4(TPM2):c.58G>C (p.Asp20His)

Gene: TPM2 (tropomyosin 2; minus strand). Cytogenetic location: 9p13.3.
Variant type: single nucleotide variant.
Coding change: c.58G>C on transcript NM_003289.4 (MANE Select); coding-DNA position 58, G replaced by C.
Protein change: p.Asp20His; replaces aspartic acid 20 with histidine.
Molecular consequence: missense variant.
Genome position (GRCh38, 1-based): chr9:35,689,760, C>G on the plus strand (G>C on the coding strand, the complement: TPM2 is on the minus strand). VCF-style: chr9-35689760-C-G. GRCh37 (hg19) VCF-style: chr9-35689757-C-G.
Other names: c.58G>C, p.Asp20His (NM_001301226.2, NM_001301227.2, NM_213674.1); short protein forms D20H.
Identifiers: ClinVar variation 2136774 (VCV002136774.4), dbSNP rs1166342816, ClinGen allele CA373370147.
Genomic context (GRCh38, chr9:35,689,760, plus strand): 5'-TAACCTGCTTGCAGCGGTCCTCAGCTTGCTTCTTGTCGGCTTCGGCCTGCTCGGCGCGGT[C>G]GATGGCGTTCTCCTTGTCCAGCTTCAGCATCTGCATCTTCTTCTTGATGGCGTCCATGGC-3'
Protein context (NP_003280.2, residues 10-30): MLKLDKENAI[Asp20His]RAEQAEADKK